The following is an entry in ClinVar:

ClinVar aggregate classification (germline): Pathogenic (1 of 4 stars; one submission).

Conditions:
Benign neonatal seizures. Also called: Benign familial neonatal epilepsy; Benign familial neonatal seizures; Benign neonatal familial convulsions; Convulsions benign familial neonatal dominant form; Autosomal dominant form of benign neonatal seizures. Identifiers: Orphanet 1949, MedGen C0220669, MONDO:0016027.

Submission:

Labcorp Genetics (formerly Invitae), Labcorp
Classification: Pathogenic for Benign neonatal seizures. Last evaluated: 2020-06-01. Review status: criteria provided, single submitter. Criteria: Invitae Variant Classification Sherloc (09022015). Collection method: clinical testing. Allele origin: germline.
Comment: A gross deletion of the genomic region encompassing the full coding sequence of the KCNQ3 gene has been identified. The boundaries of this event are unknown as the deletion extends beyond the assayed region for this gene and therefore may encompass additional genes. This variant has not been reported in the literature in individuals with KCNQ3-related conditions. Loss-of-function variants in KCNQ3 are known to be pathogenic (PMID: 29383681, 29852413). For these reasons, this variant has been classified as Pathogenic.

Literature cited by the submitters: PubMed 29383681; PubMed 29852413.

NC_000008.10:g.(?_133141509)_(133492779_?)del

Gene: KCNQ3 (potassium voltage-gated channel subfamily Q member 3; minus strand). Cytogenetic location: 8q24.22.
Variant type: Deletion.
Identifiers: ClinVar variation 1071385 (VCV001071385.2).